The following is an entry in ClinVar:

ClinVar aggregate classification (germline): Uncertain significance (1 of 4 stars; one submission).

Submission:

GeneDx
Classification: Uncertain significance. Last evaluated: 2025-05-20. Review status: criteria provided, single submitter. Criteria: GeneDx Variant Classification Process June 2021. Collection method: clinical testing. Allele origin: germline. Affected: yes.
Comment: Not observed at significant frequency in large population cohorts (gnomAD); In silico analysis supports that this missense variant has a deleterious effect on protein structure/function; Has not been previously published as pathogenic or benign to our knowledge

NM_000810.4(GABRA5):c.985G>A (p.Ala329Thr)

Gene: GABRA5 (gamma-aminobutyric acid type A receptor subunit alpha5; plus strand). Cytogenetic location: 15q12.
Variant type: single nucleotide variant.
Coding change: c.985G>A on transcript NM_000810.4 (MANE Select); coding-DNA position 985, G replaced by A.
Protein change: p.Ala329Thr; replaces alanine 329 with threonine.
Molecular consequence: missense variant.
Genome position (GRCh38, 1-based): chr15:26,943,322, G>A. VCF-style: chr15-26943322-G-A. GRCh37 (hg19) VCF-style: chr15-27188469-G-A.
Other names: c.985G>A, p.Ala329Thr (NM_001165037.2); short protein forms A329T.
Identifiers: ClinVar variation 4530888 (VCV004530888.1).